The following is an entry in ClinVar:

ClinVar aggregate classification (germline): Uncertain significance (1 of 4 stars; one submission).

Conditions:
Cone-rod dystrophy 6 (CORD6). Also called: RETINAL CONE DYSTROPHY 2; Cone dystrophy progressive. Identifiers: Orphanet 1872, MedGen C1866293, MONDO:0011143, OMIM 601777.
Leber congenital amaurosis 1 (LCA1). Also called: AMAUROSIS CONGENITA OF LEBER I; RETINAL BLINDNESS, CONGENITAL; Congenital absence of the rods and cones; Leber's congenital tapetoretinal degeneration; Leber's congenital tapetoretinal dysplasia. Identifiers: Orphanet 65, MedGen C2931258, MONDO:0008764, OMIM 204000.

Allele frequency attached by ClinVar (database versions not stated): gnomAD 0.00001; gnomAD exomes 0.00001; TOPMed 0.00001.
gnomAD v4.1: 10 of 1,613,412 alleles (0.00062%); highest among the groups gnomAD compares: Middle Eastern, 0.017%; no homozygotes.

Submission:

Labcorp Genetics (formerly Invitae), Labcorp
Classification: Uncertain significance for Leber congenital amaurosis 1; Cone-rod dystrophy 6. Last evaluated: 2022-10-04. Review status: criteria provided, single submitter. Criteria: Invitae Variant Classification Sherloc (09022015). Collection method: clinical testing. Allele origin: germline.
Comment: This sequence change replaces arginine, which is basic and polar, with glutamine, which is neutral and polar, at codon 588 of the GUCY2D protein (p.Arg588Gln). This variant is present in population databases (no rsID available, gnomAD 0.002%). This variant has not been reported in the literature in individuals affected with GUCY2D-related conditions. ClinVar contains an entry for this variant (Variation ID: 957458). Algorithms developed to predict the effect of missense changes on protein structure and function (SIFT, PolyPhen-2, Align-GVGD) all suggest that this variant is likely to be disruptive. In summary, the available evidence is currently insufficient to determine the role of this variant in disease. Therefore, it has been classified as a Variant of Uncertain Significance.

NM_000180.4(GUCY2D):c.1763G>A (p.Arg588Gln)

Gene: GUCY2D (guanylate cyclase 2D, retinal; plus strand). Cytogenetic location: 17p13.1.
Variant type: single nucleotide variant.
Coding change: c.1763G>A on transcript NM_000180.4 (MANE Select); coding-DNA position 1763, G replaced by A.
Protein change: p.Arg588Gln; replaces arginine 588 with glutamine.
Molecular consequence: missense variant.
Genome position (GRCh38, 1-based): chr17:8,012,157, G>A. VCF-style: chr17-8012157-G-A. GRCh37 (hg19) VCF-style: chr17-7915475-G-A.
Other names: short protein forms R588Q.
Identifiers: ClinVar variation 957458 (VCV000957458.5), dbSNP rs1380583409, ClinGen allele CA397951195.